The following is an entry in ClinVar:

ClinVar aggregate classification (germline): Uncertain significance (1 of 4 stars; one submission).

Submission:

Labcorp Genetics (formerly Invitae), Labcorp
Classification: Uncertain significance. Last evaluated: 2022-02-21. Review status: criteria provided, single submitter. Criteria: Invitae Variant Classification Sherloc (09022015). Collection method: clinical testing. Allele origin: germline.
Comment: ClinVar contains an entry for this variant (Variation ID: 854851). This variant has not been reported in the literature in individuals affected with ABRAXAS1-related conditions. This variant is not present in population databases (gnomAD no frequency). This variant results in the deletion of part of exon 5 (c.283-283_306del) of the ABRAXAS1 gene. It is expected to disrupt RNA splicing. Variants that disrupt the donor or acceptor splice site typically lead to a loss of protein function (PMID: 16199547), however the current clinical and genetic evidence is not sufficient to establish whether loss-of-function variants in ABRAXAS1 cause disease. Algorithms developed to predict the effect of sequence changes on RNA splicing suggest that this variant may disrupt the consensus splice site. In summary, the available evidence is currently insufficient to determine the role of this variant in disease. Therefore, it has been classified as a Variant of Uncertain Significance.

Literature cited by the submitters: PubMed 16199547.

NM_139076.3(ABRAXAS1):c.283-283_306del

Gene: ABRAXAS1 (abraxas 1, BRCA1 A complex subunit; minus strand). Cytogenetic location: 4q21.23.
Variant type: Deletion.
Coding change: c.283-283_306del on transcript NM_139076.3 (MANE Select); 283 bases into the intron before coding-DNA position 283 through coding-DNA position 306, 307 bases deleted.
Molecular consequence: splice acceptor variant.
Genome position (GRCh38, 1-based): chr4:83,470,373-83,470,679, 307 bases deleted. GRCh37 (hg19): chr4:84,391,526-84,391,832.
Other names: c.-45-283_-22del (NM_001345962.2).
Identifiers: ClinVar variation 854851 (VCV000854851.5), dbSNP rs1722534884, ClinGen allele CA916082648.